The following is an entry in ClinVar:

NM_002591.4(PCK1):c.31C>T (p.Leu11Phe)

Gene: PCK1 (phosphoenolpyruvate carboxykinase 1; plus strand). Cytogenetic location: 20q13.31.
Variant type: single nucleotide variant.
Coding change: c.31C>T on transcript NM_002591.4 (MANE Select); coding-DNA position 31, C replaced by T.
Protein change: p.Leu11Phe; replaces leucine 11 with phenylalanine.
Molecular consequence: missense variant.
Genome position (GRCh38, 1-based): chr20:57,561,442, C>T. VCF-style: chr20-57561442-C-T. GRCh37 (hg19) VCF-style: chr20-56136498-C-T.
Other names: short protein forms L11F.
Identifiers: ClinVar variation 3210222 (VCV003210222.2), dbSNP rs146652385, ClinGen allele CA9921875.

ClinVar aggregate classification (germline): Conflicting classifications of pathogenicity. Review status: criteria provided, conflicting classifications (1 of 4 stars). 2 submissions from 2 submitters: Uncertain significance (1); Likely benign (1). Last evaluated 2025-05-09.

Conditions:
PCK1-related disorder. Also called: PCK1-related condition.
Inborn genetic diseases. Identifiers: MedGen C0950123, MeSH D030342.

Allele frequency attached by ClinVar (database versions not stated): gnomAD exomes 0.00001; ExAC 0.00002; gnomAD 0.00002; TOPMed 0.00002; ESP Exome Variant Server 0.00008.
gnomAD v4.1: 14 of 1,613,450 alleles (0.00087%); highest among the groups gnomAD compares: Non-Finnish European, 0.0012%; no homozygotes.

Submissions (2):

PreventionGenetics, part of Exact Sciences
Classification: Uncertain significance for PCK1-related condition. Last evaluated: 2025-05-09. Review status: criteria provided, single submitter. Criteria: ACMG Guidelines, 2015. Collection method: clinical testing. Allele origin: germline.
Comment: The PCK1 c.31C>T variant is predicted to result in the amino acid substitution p.Leu11Phe. To our knowledge, this variant has not been reported in the literature. This variant is reported in 0.0044% of alleles in individuals of European (Non-Finnish) descent in gnomAD. At this time, the clinical significance of this variant is uncertain due to the absence of conclusive functional and genetic evidence.

Ambry Genetics
Classification: Likely benign for Inborn genetic diseases. Last evaluated: 2024-02-13. Review status: criteria provided, single submitter. Criteria: Ambry Variant Classification Scheme 2023. Collection method: clinical testing. Allele origin: germline.